The following is an entry in ClinVar:

NM_001035.3(RYR2):c.8195G>A (p.Trp2732Ter)

Gene: RYR2 (ryanodine receptor 2; plus strand). Cytogenetic location: 1q43.
Variant type: single nucleotide variant.
Coding change: c.8195G>A on transcript NM_001035.3 (MANE Select); coding-DNA position 8195, G replaced by A.
Protein change: p.Trp2732Ter; replaces tryptophan 2732 with a stop codon.
Molecular consequence: nonsense.
Genome position (GRCh38, 1-based): chr1:237,658,009, G>A. VCF-style: chr1-237658009-G-A. GRCh37 (hg19) VCF-style: chr1-237821309-G-A.
Other names: short protein forms W2732*.
Identifiers: ClinVar variation 4756768 (VCV004756768.1).

ClinVar aggregate classification (germline): Uncertain significance (1 of 4 stars; one submission).

Conditions:
Cardiomyopathy (CMYO). Also called: Cardiomyopathies. Identifiers: Orphanet 167848, MedGen C0878544, MONDO:0004994, HP:0001638. Inheritance: Various modes of inheritance.

Submission:

Color Diagnostics, LLC DBA Color Health
Classification: Uncertain significance for Cardiomyopathy. Last evaluated: 2025-05-12. Review status: criteria provided, single submitter. Criteria: ACMG Guidelines, 2015. Collection method: clinical testing. Allele origin: germline.
Comment: This variant changes 1 nucleotide in exon 54 of the RYR2 gene, creating a premature translation stop signal. This variant is expected to result in an absent or non-functional protein product. To our knowledge, this variant has not been reported in individuals affected with RYR2-related disorders in the literature. This variant has not been identified in the general population by the Genome Aggregation Database (gnomAD). The role of loss-of-function truncation and splice variants in the RYR2 gene in cardiovascular disorders is not clearly understood. Loss of RYR2 The available evidence is insufficient to determine the role of this variant in disease conclusively. Therefore, this variant is classified as a Variant of Uncertain Significance.